The following is an entry in ClinVar:

NM_000506.5(F2):c.1581C>T (p.Asn527=)

Gene: F2 (coagulation factor II, thrombin; plus strand). Cytogenetic location: 11p11.2.
Variant type: single nucleotide variant.
Coding change: c.1581C>T on transcript NM_000506.5 (MANE Select); coding-DNA position 1581, C replaced by T.
Protein change: p.Asn527=; no amino-acid change (asparagine 527 retained).
Molecular consequence: synonymous variant.
Genome position (GRCh38, 1-based): chr11:46,729,488, C>T. VCF-style: chr11-46729488-C-T. GRCh37 (hg19) VCF-style: chr11-46751038-C-T.
Identifiers: ClinVar variation 1775708 (VCV001775708.7), dbSNP rs1389532861, ClinGen allele CA473873453.

ClinVar aggregate classification (germline): Likely benign. Review status: criteria provided, multiple submitters, no conflicts (2 of 4 stars). 3 submissions from 3 submitters: Likely benign (2). 1 of the submissions does not count toward it. Last evaluated 2025-10-04.

Conditions:
F2-related disorder. Also called: F2-related disorders; F2-related condition.
Inborn genetic diseases. Identifiers: MedGen C0950123, MeSH D030342.
Congenital prothrombin deficiency. Also called: Factor II deficiency; HYPOPROTHROMBINEMIA; Hereditary factor II deficiency disease; Inherited hypoprothrombinemia; Congenital factor II deficiency; Inherited prothrombin deficiency. Identifiers: Orphanet 325, MedGen C0272317, MONDO:0013361, OMIM 613679.

Allele frequency attached by ClinVar (database versions not stated): TOPMed 0.00006; gnomAD 0.00012; gnomAD exomes 0.00003.
gnomAD v4.1: 34 of 1,614,024 alleles (0.0021%); highest among the groups gnomAD compares: Admixed American, 0.057%; no homozygotes.

Submissions (3):

Labcorp Genetics (formerly Invitae), Labcorp
Classification: Likely benign for Congenital prothrombin deficiency. Last evaluated: 2025-10-04. Review status: criteria provided, single submitter. Criteria: Invitae Variant Classification Sherloc (09022015). Collection method: clinical testing. Allele origin: germline.

Ambry Genetics
Classification: Likely benign for Inborn genetic diseases. Last evaluated: 2022-03-19. Review status: criteria provided, single submitter. Criteria: Ambry Variant Classification Scheme 2023. Collection method: clinical testing. Allele origin: germline.

PreventionGenetics, part of Exact Sciences
Classification: Likely benign for F2-related condition. Last evaluated: 2019-06-04. Review status: no assertion criteria provided. Collection method: clinical testing. Allele origin: germline. Not counted in ClinVar's aggregate classification.
Comment: This variant is classified as likely benign based on ACMG/AMP sequence variant interpretation guidelines (Richards et al. 2015 PMID: 25741868, with internal and published modifications).